The following is an entry in ClinVar:

NM_001160148.2(DDHD1):c.1069G>A (p.Val357Ile)

Gene: DDHD1 (DDHD domain containing 1; minus strand). Cytogenetic location: 14q22.1.
Variant type: single nucleotide variant.
Coding change: c.1069G>A on transcript NM_001160148.2 (MANE Select); coding-DNA position 1069, G replaced by A.
Protein change: p.Val357Ile; replaces valine 357 with isoleucine.
Molecular consequence: missense variant.
Genome position (GRCh38, 1-based): chr14:53,093,388, C>T on the plus strand (G>A on the coding strand, the complement: DDHD1 is on the minus strand). VCF-style: chr14-53093388-C-T. GRCh37 (hg19) VCF-style: chr14-53560106-C-T.
Other names: c.1090G>A, p.Val364Ile (NM_001160147.2); c.1069G>A, p.Val357Ile (NM_030637.3); short protein forms V357I, V364I.
Identifiers: ClinVar variation 2139304 (VCV002139304.4), dbSNP rs745452505, ClinGen allele CA7191325.

ClinVar aggregate classification (germline): Uncertain significance (1 of 4 stars; one submission).

Conditions:
Hereditary spastic paraplegia 28. Also called: Spastic paraplegia 28, autosomal recessive. Identifiers: Orphanet 101008, MedGen C1836295, MONDO:0012256, OMIM 609340.

Allele frequency attached by ClinVar (database versions not stated): TOPMed below 0.00001; ExAC 0.00001; gnomAD 0.00001; gnomAD exomes 0.00002.

Submission:

Labcorp Genetics (formerly Invitae), Labcorp
Classification: Uncertain significance for Hereditary spastic paraplegia 28. Last evaluated: 2022-08-19. Review status: criteria provided, single submitter. Criteria: Invitae Variant Classification Sherloc (09022015). Collection method: clinical testing. Allele origin: germline.
Comment: In summary, the available evidence is currently insufficient to determine the role of this variant in disease. Therefore, it has been classified as a Variant of Uncertain Significance. This sequence change replaces valine, which is neutral and non-polar, with isoleucine, which is neutral and non-polar, at codon 364 of the DDHD1 protein (p.Val364Ile). This variant is present in population databases (rs745452505, gnomAD 0.0009%). This variant has not been reported in the literature in individuals affected with DDHD1-related conditions. Algorithms developed to predict the effect of missense changes on protein structure and function are either unavailable or do not agree on the potential impact of this missense change (SIFT: "Tolerated"; PolyPhen-2: "Possibly Damaging"; Align-GVGD: "Class C0").